The following is an entry in ClinVar:

ClinVar aggregate classification (germline): Uncertain significance (1 of 4 stars; one submission).

Conditions:
Cerebral folate transport deficiency. Also called: FOLR1-Related Cerebral Folate Transport Deficiency; FOLATE RECEPTOR DEFICIENCY; Cerebral folate deficiency syndrome; NEURODEGENERATION DUE TO CEREBRAL FOLATE TRANSPORT DEFICIENCY; Neurodegenerative syndrome due to cerebral folate transport deficiency. Identifiers: Orphanet 217382, MedGen C2751584, MONDO:0013110, OMIM 613068. Disease mechanism: loss of function.

Submission:

Labcorp Genetics (formerly Invitae), Labcorp
Classification: Uncertain significance for Cerebral folate transport deficiency. Last evaluated: 2022-05-03. Review status: criteria provided, single submitter. Criteria: Invitae Variant Classification Sherloc (09022015). Collection method: clinical testing. Allele origin: germline.
Comment: In summary, the available evidence is currently insufficient to determine the role of this variant in disease. Therefore, it has been classified as a Variant of Uncertain Significance. Algorithms developed to predict the effect of missense changes on protein structure and function output the following: SIFT: "Tolerated"; PolyPhen-2: "Benign"; Align-GVGD: "Class C0". The serine amino acid residue is found in multiple mammalian species, which suggests that this missense change does not adversely affect protein function. This variant has not been reported in the literature in individuals affected with FOLR1-related conditions. This variant is not present in population databases (gnomAD no frequency). This sequence change replaces alanine, which is neutral and non-polar, with serine, which is neutral and polar, at codon 27 of the FOLR1 protein (p.Ala27Ser).

NM_016729.3(FOLR1):c.79G>T (p.Ala27Ser)

Genes: FOLR1-AS1 (FOLR1 antisense RNA 1; minus strand), FOLR1 (folate receptor alpha; plus strand). Cytogenetic location: 11q13.4.
Variant type: single nucleotide variant.
Coding change: c.79G>T on transcript NM_016729.3 (MANE Select); coding-DNA position 79, G replaced by T.
Protein change: p.Ala27Ser; replaces alanine 27 with serine.
Molecular consequence: missense variant.
Genome position (GRCh38, 1-based): chr11:72,192,252, G>T. VCF-style: chr11-72192252-G-T. GRCh37 (hg19) VCF-style: chr11-71903296-G-T.
Other names: c.79G>T, p.Ala27Ser (NM_000802.3, NM_016724.3, NM_016725.3 and 1 more transcripts); short protein forms A27S.
Identifiers: ClinVar variation 1961802 (VCV001961802.5), dbSNP rs2539125846, ClinGen allele CA381729393.